The following is an entry in ClinVar:

NM_015046.7(SETX):c.839-6T>C

Gene: SETX (senataxin; minus strand). Cytogenetic location: 9q34.13.
Variant type: single nucleotide variant.
Coding change: c.839-6T>C on transcript NM_015046.7 (MANE Select); 6 bases into the intron before coding-DNA position 839, T replaced by C.
Molecular consequence: intron variant.
Genome position (GRCh38, 1-based): chr9:132,331,454, A>G on the plus strand (T>C on the coding strand, the complement: SETX is on the minus strand). VCF-style: chr9-132331454-A-G. GRCh37 (hg19) VCF-style: chr9-135206841-A-G.
Other names: c.839-6T>C (NM_001351528.2, NM_001351527.2).
Identifiers: ClinVar variation 805438 (VCV000805438.12), dbSNP rs760584527, ClinGen allele CA5297908.
Genomic context (GRCh38, chr9:132,331,454, plus strand): 5'-TCCAGAATCACCATAAAACAGTGTAACGCTGGCCAGAAAGGATCCACACTATCATCTGAA[A>G]TACAATGGCACAATCGTTGAATTACTAAACAGTTAGAAAAACATACTACAATATATTGAG-3'

ClinVar aggregate classification (germline): Conflicting classifications of pathogenicity. Review status: criteria provided, conflicting classifications (1 of 4 stars). 5 submissions from 5 submitters: Uncertain significance (2); Likely benign (3). Last evaluated 2026-03-02.

Conditions:
SETX-related disorder. Also called: SETX-related condition; SETX-related disorders. Identifiers: MedGen CN239403.
Spinocerebellar ataxia, autosomal recessive, with axonal neuropathy 2 (SCAN2). Also called: ATAXIA-OCULOMOTOR APRAXIA 2; Ataxia with Oculomotor Apraxia Type 2; Ataxia-ocular apraxia-2; Ataxia with Oculomotor Apraxia. Identifiers: Orphanet 64753, MedGen C1853761, MONDO:0018996, OMIM 606002.
Amyotrophic lateral sclerosis type 4 (ALS4). Also called: AMYOTROPHIC LATERAL SCLEROSIS 4, JUVENILE; NEURONOPATHY, DISTAL HEREDITARY MOTOR, WITH PYRAMIDAL FEATURES. Identifiers: Orphanet 357043, MedGen C1865409, MONDO:0011223, OMIM 602433.

Allele frequency attached by ClinVar (database versions not stated): gnomAD exomes 0.00002 and 0.00004; ExAC 0.00004; gnomAD 0.00004; TOPMed 0.00004.
gnomAD v4.1: 30 of 1,613,510 alleles (0.0019%); highest among the groups gnomAD compares: Middle Eastern, 0.033%; no homozygotes.

Submissions (5):

PreventionGenetics, part of Exact Sciences
Classification: Likely benign for SETX-related condition. Last evaluated: 2026-03-02. Review status: criteria provided, single submitter. Criteria: ACMG Guidelines, 2015. Collection method: clinical testing. Allele origin: germline.
Comment: This variant is classified as likely benign based on ACMG/AMP sequence variant interpretation guidelines (Richards et al. 2015 PMID: 25741868, with internal and published modifications).

Women's Health and Genetics/Laboratory Corporation of America, LabCorp
Classification: Likely benign. Last evaluated: 2025-04-30. Review status: criteria provided, single submitter. Criteria: LabCorp Variant Classification Summary - May 2015. Collection method: clinical testing. Allele origin: germline.
Comment: Variant summary: SETX c.839-6T>C alters a conserved nucleotide located at a position not widely known to affect splicing. Several computational tools predict a significant impact on normal splicing: One predict the variant abolishes a 3' acceptor site. Two predict the variant weakens a 3' acceptor site. One predict the variant no significant impact on splicing. However, these predictions have yet to be confirmed by functional studies. The variant allele was found at a frequency of 1.9e-05 in 1613510 control chromosomes. The observed variant frequency is approximately 29.75 fold of the estimated maximal expected allele frequency for a pathogenic variant in SETX causing Amyotrophic lateral sclerosis type 4 phenotype (6.3e-07). To our knowledge, no occurrence of c.839-6T>C in individuals affected with Amyotrophic lateral sclerosis type 4 and no experimental evidence demonstrating its impact on protein function have been reported. ClinVar contains an entry for this variant (Variation ID: 805438). Based on the evidence outlined above, the variant was classified as likely benign.

Labcorp Genetics (formerly Invitae), Labcorp
Classification: Likely benign for Amyotrophic lateral sclerosis type 4; Spinocerebellar ataxia, autosomal recessive, with axonal neuropathy 2. Last evaluated: 2024-04-07. Review status: criteria provided, single submitter. Criteria: Invitae Variant Classification Sherloc (09022015). Collection method: clinical testing. Allele origin: germline.

GeneDx
Classification: Uncertain significance. Last evaluated: 2019-08-08. Review status: criteria provided, single submitter. Criteria: GeneDx Variant Classification Process June 2021. Collection method: clinical testing. Allele origin: germline. Affected: yes.
Comment: Has not been previously published as pathogenic or benign to our knowledge; In-silico analysis, which includes splice predictors and evolutionary conservation, is inconclusive as to whether the variant alters gene splicing. In the absence of RNA/functional studies, the actual effect of this sequence change is unknown.

Athena Diagnostics
Classification: Uncertain significance. Last evaluated: 2019-01-16. Review status: criteria provided, single submitter. Criteria: Athena Diagnostics Criteria. Collection method: clinical testing. Allele origin: germline.